The following is an entry in ClinVar:

ClinVar aggregate classification (germline): Uncertain significance (1 of 4 stars; one submission).

Conditions:
COG5-congenital disorder of glycosylation. Also called: COG5-CDG; CDG IIi; CONGENITAL DISORDER OF GLYCOSYLATION, TYPE IIi. Identifiers: Orphanet 263487, MedGen C3150876, MONDO:0013325, OMIM 613612.

Allele frequency attached by ClinVar (database versions not stated): gnomAD exomes below 0.00001 and 0.00001; gnomAD 0.00001; ESP Exome Variant Server 0.00008.
gnomAD v4.1: 4 of 1,610,692 alleles (0.00025%); highest among the groups gnomAD compares: African/African-American, 0.004%; no homozygotes.

Submission:

Labcorp Genetics (formerly Invitae), Labcorp
Classification: Uncertain significance for COG5-congenital disorder of glycosylation. Last evaluated: 2022-04-18. Review status: criteria provided, single submitter. Criteria: Invitae Variant Classification Sherloc (09022015). Collection method: clinical testing. Allele origin: germline.
Comment: This sequence change replaces methionine, which is neutral and non-polar, with arginine, which is basic and polar, at codon 642 of the COG5 protein (p.Met642Arg). This variant is present in population databases (rs144172205, gnomAD 0.007%). This variant has not been reported in the literature in individuals affected with COG5-related conditions. ClinVar contains an entry for this variant (Variation ID: 1037922). Algorithms developed to predict the effect of missense changes on protein structure and function (SIFT, PolyPhen-2, Align-GVGD) all suggest that this variant is likely to be disruptive. Algorithms developed to predict the effect of sequence changes on RNA splicing suggest that this variant may create or strengthen a splice site. In summary, the available evidence is currently insufficient to determine the role of this variant in disease. Therefore, it has been classified as a Variant of Uncertain Significance.

NM_006348.5(COG5):c.1832T>G (p.Met611Arg)

Gene: COG5 (component of oligomeric golgi complex 5; minus strand). Cytogenetic location: 7q22.3.
Variant type: single nucleotide variant.
Coding change: c.1832T>G on transcript NM_006348.5 (MANE Select); coding-DNA position 1832, T replaced by G.
Protein change: p.Met611Arg; replaces methionine 611 with arginine.
Molecular consequence: missense variant.
Genome position (GRCh38, 1-based): chr7:107,248,417, A>C on the plus strand (T>G on the coding strand, the complement: COG5 is on the minus strand). VCF-style: chr7-107248417-A-C. GRCh37 (hg19) VCF-style: chr7-106888862-A-C.
Other names: c.1832T>G, p.Met611Arg (NM_001161520.2, NM_001379513.1, NM_001379514.1); c.1670T>G, p.Met557Arg (NM_001379511.1); c.1658T>G, p.Met553Arg (NM_001379512.1); c.1262T>G, p.Met421Arg (NM_001379515.1); c.1118T>G, p.Met373Arg (NM_001379516.1); c.1769T>G, p.Met590Arg (NM_181733.4); short protein forms M557R, M590R, M421R, M373R, M553R, M611R.
Identifiers: ClinVar variation 1037922 (VCV001037922.6), dbSNP rs144172205, ClinGen allele CA164683737.